The following is an entry in ClinVar:

NM_138295.5(PKD1L1):c.7065G>A (p.Pro2355=)

Genes: PKD1L1 (polycystin 1 like 1, transient receptor potential channel interacting; minus strand), PKD1L1-AS1 (PKD1L1 antisense RNA 1; plus strand). Cytogenetic location: 7p12.3.
Variant type: single nucleotide variant.
Coding change: c.7065G>A on transcript NM_138295.5 (MANE Select); coding-DNA position 7065, G replaced by A.
Protein change: p.Pro2355=; no amino-acid change (proline 2355 retained).
Molecular consequence: synonymous variant.
Genome position (GRCh38, 1-based): chr7:47,815,358, C>T on the plus strand (G>A on the coding strand, the complement: PKD1L1 is on the minus strand). VCF-style: chr7-47815358-C-T. GRCh37 (hg19) VCF-style: chr7-47854956-C-T.
Identifiers: ClinVar variation 1257813 (VCV001257813.10), dbSNP rs17545564, ClinGen allele CA4252144.

ClinVar aggregate classification (germline): Benign. Review status: criteria provided, multiple submitters, no conflicts (2 of 4 stars). 4 submissions from 4 submitters: Benign (3). 1 of the submissions does not count toward it. Last evaluated 2026-02-03.

Conditions:
PKD1L1-related disorder. Also called: PKD1L1-related condition.

Allele frequency attached by ClinVar (database versions not stated): ESP Exome Variant Server 0.11994; TOPMed 0.13234; gnomAD 0.13925 and 0.14230; 1000 Genomes Project 30x 0.14631; 1000 Genomes Project 0.14756; gnomAD exomes 0.15931 and 0.18454; ExAC 0.18126.
gnomAD v4.1: 254,943 of 1,613,888 alleles (16%); highest among the groups gnomAD compares: Admixed American, 22%; 21,713 homozygotes.

Submissions (4):

Labcorp Genetics (formerly Invitae), Labcorp
Classification: Benign. Last evaluated: 2026-02-03. Review status: criteria provided, single submitter. Criteria: Invitae Variant Classification Sherloc (09022015). Collection method: clinical testing. Allele origin: germline.

Blueprint Genetics
Classification: Benign. Last evaluated: 2024-11-27. Review status: criteria provided, single submitter. Criteria: ACMG Guidelines, 2015. Collection method: clinical testing. Allele origin: germline.

GeneDx
Classification: Benign. Last evaluated: 2018-11-12. Review status: criteria provided, single submitter. Criteria: GeneDx Variant Classification Process June 2021. Collection method: clinical testing. Allele origin: germline. Affected: yes.

PreventionGenetics, part of Exact Sciences
Classification: Benign for PKD1L1-related condition. Last evaluated: 2019-03-29. Review status: no assertion criteria provided. Collection method: clinical testing. Allele origin: germline. Not counted in ClinVar's aggregate classification.
Comment: This variant is classified as benign based on ACMG/AMP sequence variant interpretation guidelines (Richards et al. 2015 PMID: 25741868, with internal and published modifications).